The following is an entry in ClinVar:

ClinVar aggregate classification (germline): Likely benign. Review status: criteria provided, multiple submitters, no conflicts (2 of 4 stars). 2 submissions from 2 submitters: Likely benign (2). Last evaluated 2020-11-12.

Conditions:
Spastic paraplegia. Identifiers: MedGen C0037772, HP:0001258.

Allele frequency attached by ClinVar (database versions not stated): gnomAD exomes 0.00001; TOPMed 0.00001.
gnomAD v4.1: 30 of 1,613,280 alleles (0.0019%); highest among the groups gnomAD compares: Non-Finnish European, 0.0025%; no homozygotes.

Submissions (2):

Labcorp Genetics (formerly Invitae), Labcorp
Classification: Likely benign for Spastic paraplegia. Last evaluated: 2020-11-12. Review status: criteria provided, single submitter. Criteria: Invitae Variant Classification Sherloc (09022015). Collection method: clinical testing. Allele origin: germline.

GeneDx
Classification: Likely benign. Last evaluated: 2017-01-02. Review status: criteria provided, single submitter. Criteria: GeneDx Variant Classification (06012015). Collection method: clinical testing. Allele origin: germline. Affected: yes.
Comment: This variant is considered likely benign or benign based on one or more of the following criteria: it is a conservative change, it occurs at a poorly conserved position in the protein, it is predicted to be benign by multiple in silico algorithms, and/or has population frequency not consistent with disease.

NM_002156.5(HSPD1):c.1464T>C (p.Ser488=)

Gene: HSPD1 (heat shock protein family D (Hsp60) member 1; minus strand). Cytogenetic location: 2q33.1.
Variant type: single nucleotide variant.
Coding change: c.1464T>C on transcript NM_002156.5 (MANE Select); coding-DNA position 1464, T replaced by C.
Protein change: p.Ser488=; no amino-acid change (serine 488 retained).
Molecular consequence: synonymous variant.
Genome position (GRCh38, 1-based): chr2:197,487,963, A>G on the plus strand (T>C on the coding strand, the complement: HSPD1 is on the minus strand). VCF-style: chr2-197487963-A-G. GRCh37 (hg19) VCF-style: chr2-198352687-A-G.
Other names: c.1464T>C, p.Ser488= (NM_199440.2).
Identifiers: ClinVar variation 392132 (VCV000392132.5), dbSNP rs1057524367, ClinGen allele CA16604091.